The following is an entry in ClinVar:

ClinVar aggregate classification (germline): Uncertain significance (1 of 4 stars; one submission).

Submission:

GeneDx
Classification: Uncertain significance. Last evaluated: 2022-04-25. Review status: criteria provided, single submitter. Criteria: GeneDx Variant Classification Process June 2021. Collection method: clinical testing. Allele origin: germline. Affected: yes.
Comment: Not observed at significant frequency in large population cohorts (gnomAD); Frameshift variant predicted to result in protein truncation or nonsense mediated decay in a gene or region of a gene for which loss of function is not a well-established mechanism of disease; Has not been previously published as pathogenic or benign to our knowledge

NM_182746.3(MCM4):c.577_578del (p.Tyr193fs)

Gene: MCM4 (minichromosome maintenance complex component 4; plus strand). Cytogenetic location: 8q11.21.
Variant type: Microsatellite.
Coding change: c.577_578del on transcript NM_182746.3 (MANE Select); coding-DNA positions 577 to 578, 2 bases deleted (TA; older notation c.577_578delTA).
Protein change: p.Tyr193fs; shifts the reading frame from tyrosine 193.
Molecular consequence: frameshift variant.
Genome position (GRCh38, 1-based): chr8:47,962,839-47,962,840, TA deleted; deleting any 2 consecutive bases within chr8:47,962,837-47,962,840 gives the same sequence; the c. name uses the placement nearest the transcript's 3' end. VCF-style (leftmost placement, unchanged base first): chr8-47962836-CTA-C. GRCh37 (hg19) VCF-style: chr8-48875396-CTA-C.
Other names: c.577_578del, p.Tyr193fs (NM_005914.4); short protein forms Y193fs.
Identifiers: ClinVar variation 1804553 (VCV001804553.1), dbSNP rs2090858390, ClinGen allele CA1781910849.